The following is an entry in ClinVar:

NM_001482.3(GATM):c.371T>C (p.Val124Ala)

Gene: GATM (glycine amidinotransferase; minus strand). Cytogenetic location: 15q21.1.
Variant type: single nucleotide variant.
Coding change: c.371T>C on transcript NM_001482.3 (MANE Select); coding-DNA position 371, T replaced by C.
Protein change: p.Val124Ala; replaces valine 124 with alanine.
Molecular consequence: missense variant. On other transcripts: 5 prime UTR variant (1).
Genome position (GRCh38, 1-based): chr15:45,369,439, A>G on the plus strand (T>C on the coding strand, the complement: GATM is on the minus strand). VCF-style: chr15-45369439-A-G. GRCh37 (hg19) VCF-style: chr15-45661637-A-G.
Other names: c.-17T>C (NM_001321015.2); c.371T>C (NM_001482.2); short protein forms V124A.
Identifiers: ClinVar variation 1375020 (VCV001375020.10), dbSNP rs1889503302, ClinGen allele CA392261896.

ClinVar aggregate classification (germline): Uncertain significance. Review status: criteria provided, multiple submitters, no conflicts (2 of 4 stars). 3 submissions from 3 submitters: Uncertain significance (3). Last evaluated 2025-01-01.

Conditions:
Arginine:glycine amidinotransferase deficiency (CCDS3). Also called: L-Arginine:Glycine Amidinotransferase (AGAT) Deficiency; Cerebral creatine deficiency syndrome 3; AGAT deficiency; L-Arginine:Glycine Amidinotransferase Deficiency; Creatine deficiency syndrome due to AGAT deficiency; GATM deficiency. Identifiers: Orphanet 35704, MedGen C2675179, MONDO:0012996, OMIM 612718.
Fanconi renotubular syndrome 1. Also called: Toni-Debre-Fanconi syndrome; Neonatal De Toni-Debre-Fanconi syndrome; De Toni-Fanconi syndrome; LUDER-SHELDON SYNDROME; FRTS1. Identifiers: MedGen C4551503, MONDO:0024525, OMIM 134600.
Inborn genetic diseases. Identifiers: MedGen C0950123, MeSH D030342.

Allele frequency attached by ClinVar (database versions not stated): TOPMed below 0.00001.

Submissions (3):

Ambry Genetics
Classification: Uncertain significance for Inborn genetic diseases. Last evaluated: 2025-01-01. Review status: criteria provided, single submitter. Criteria: Ambry Variant Classification Scheme 2023. Collection method: clinical testing. Allele origin: germline.

Fulgent Genetics
Classification: Uncertain significance for Fanconi renotubular syndrome 1; Arginine:glycine amidinotransferase deficiency. Last evaluated: 2024-04-22. Review status: criteria provided, single submitter. Criteria: ACMG Guidelines, 2015. Collection method: clinical testing. Allele origin: germline.

Labcorp Genetics (formerly Invitae), Labcorp
Classification: Uncertain significance for Arginine:glycine amidinotransferase deficiency. Last evaluated: 2023-11-07. Review status: criteria provided, single submitter. Criteria: Invitae Variant Classification Sherloc (09022015). Collection method: clinical testing. Allele origin: germline.
Comment: This sequence change replaces valine, which is neutral and non-polar, with alanine, which is neutral and non-polar, at codon 124 of the GATM protein (p.Val124Ala). This variant is not present in population databases (gnomAD no frequency). This variant has not been reported in the literature in individuals affected with GATM-related conditions. ClinVar contains an entry for this variant (Variation ID: 1375020). Advanced modeling of protein sequence and biophysical properties (such as structural, functional, and spatial information, amino acid conservation, physicochemical variation, residue mobility, and thermodynamic stability) performed at Invitae indicates that this missense variant is not expected to disrupt GATM protein function with a negative predictive value of 80%. In summary, the available evidence is currently insufficient to determine the role of this variant in disease. Therefore, it has been classified as a Variant of Uncertain Significance.